The following is an entry in ClinVar:

NM_001349999.2(RBFOX2):c.29C>A (p.Pro10Gln)

Gene: RBFOX2 (RNA binding fox-1 homolog 2; minus strand). Cytogenetic location: 22q12.3.
Variant type: single nucleotide variant.
Coding change: c.29C>A on transcript NM_001349999.2 (MANE Select); coding-DNA position 29, C replaced by A.
Protein change: p.Pro10Gln; replaces proline 10 with glutamine.
Molecular consequence: missense variant.
Genome position (GRCh38, 1-based): chr22:36,028,397, G>T on the plus strand (C>A on the coding strand, the complement: RBFOX2 is on the minus strand). VCF-style: chr22-36028397-G-T. GRCh37 (hg19) VCF-style: chr22-36424445-G-T.
Other names: c.29C>A, p.Pro10Gln (NM_001082578.4, NM_001082579.3, NM_001394108.1 and 7 more transcripts); short protein forms P10Q.
Identifiers: ClinVar variation 2052876 (VCV002052876.4), dbSNP rs1433090144, ClinGen allele CA411548564.
Genomic context (GRCh38, chr22:36,028,397, plus strand): 5'-AGCTCCAGCTCCGACTCCCGCTTCATGCCCCGGGCGGCGGCGCCGGGCCCGAGCTGAGGC[G>T]GCTGATGCGGCTGGGCGCCCTCCGCCATCCGCCCGCGCCCCCCTCGCCTCCGGGAGCCGG-3'
Protein context (NP_001336928.2, residues 1-20): MAEGAQPHQ[Pro10Gln]PQLGPGAAAR

ClinVar aggregate classification (germline): Uncertain significance (1 of 4 stars; one submission).

Allele frequency attached by ClinVar (database versions not stated): gnomAD 0.00003; TOPMed 0.00003.
gnomAD v4.1: 24 of 1,257,266 alleles (0.0019%); highest among the groups gnomAD compares: Admixed American, 0.0042%; no homozygotes.

Submission:

Labcorp Genetics (formerly Invitae), Labcorp
Classification: Uncertain significance. Last evaluated: 2022-05-21. Review status: criteria provided, single submitter. Criteria: Invitae Variant Classification Sherloc (09022015). Collection method: clinical testing. Allele origin: germline.
Comment: This variant has not been reported in the literature in individuals affected with RBFOX2-related conditions. This variant is present in population databases (no rsID available, gnomAD 0.01%). This sequence change replaces proline, which is neutral and non-polar, with glutamine, which is neutral and polar, at codon 10 of the RBFOX2 protein (p.Pro10Gln). Algorithms developed to predict the effect of missense changes on protein structure and function are either unavailable or do not agree on the potential impact of this missense change (SIFT: "Not Available"; PolyPhen-2: "Benign"; Align-GVGD: "Not Available"). In summary, the available evidence is currently insufficient to determine the role of this variant in disease. Therefore, it has been classified as a Variant of Uncertain Significance.